The following is an entry in ClinVar:

NM_000303.3(PMM2):c.422G>A (p.Arg141His)

Gene: PMM2 (phosphomannomutase 2; plus strand). Cytogenetic location: 16p13.2.
Variant type: single nucleotide variant.
Coding change: c.422G>A on transcript NM_000303.3 (MANE Select); coding-DNA position 422, G replaced by A.
Protein change: p.Arg141His; replaces arginine 141 with histidine.
Molecular consequence: missense variant.
Genome position (GRCh38, 1-based): chr16:8,811,153, G>A. VCF-style: chr16-8811153-G-A. GRCh37 (hg19) VCF-style: chr16-8905010-G-A.
Other names: short protein forms R141H.
Identifiers: ClinVar variation 7706 (VCV000007706.156), dbSNP rs28936415, ClinGen allele CA220621.

ClinVar aggregate classification (germline): Pathogenic. Review status: criteria provided, multiple submitters, no conflicts (2 of 4 stars). 69 submissions from 67 submitters: Pathogenic (54). 15 of the submissions do not count toward it. Last evaluated 2026-09-11.

Conditions:
Fetal anomalies with a likely genetic cause.
Congenital disorder of glycosylation type I. Also called: Carbohydrate-deficient glycoprotein syndrome type I. Identifiers: MedGen C4700504, MONDO:0005500.
PMM2-related disorder. Also called: PMM2-related condition.
Isolated cerebellar hypoplasia/agenesis (CHEGDD). Also called: Cerebellar hypoplasia/atrophy, epilepsy, and global developmental delay. Identifiers: Orphanet 1398, Orphanet 2246, MedGen C5231391, MONDO:0008939, OMIM 213000.
Cerebral atrophy. Identifiers: MedGen C0235946, HP:0002059.
Spasticity. Identifiers: MedGen C0026838, HP:0001257.
Cerebral palsy. Identifiers: MedGen C0007789, MONDO:0006497, HP:0100021.
Cerebellar ataxia. Identifiers: Orphanet 102002, MedGen C0007758, MONDO:0000437.
Poor speech. Identifiers: MedGen C1848207, HP:0002465.
Diabetes mellitus. Also called: Diabetes mellitus (disease). Identifiers: MedGen C0011849, MONDO:0005015, HP:0000819.
Muscular dystrophy. Identifiers: Orphanet 98473, MedGen C0026850, MeSH D009136, MONDO:0020121, HP:0003560.
Inborn genetic diseases. Identifiers: MedGen C0950123, MeSH D030342.
Congenital disorder of glycosylation (CDG). Also called: Congenital disorders of glycosylation; Carbohydrate-deficient glycoprotein syndrome. Identifiers: Orphanet 137, MedGen C0282577, MONDO:0015286.
PMM2-congenital disorder of glycosylation. Also called: JAEKEN SYNDROME; CDG Ia; Congenital disorder of glycosylation, type Ia; PHOSPHOMANNOMUTASE 2 DEFICIENCY; CARBOHYDRATE-DEFICIENT GLYCOPROTEIN SYNDROME, TYPE Ia; PMM2-CDG. Identifiers: Orphanet 79318, MedGen C0349653, MONDO:0008907, OMIM 212065.
Focal segmental glomerulosclerosis (FSGS). Also called: Glomerulosclerosis, focal; Focal sclerosis with hyalinosis. Identifiers: MedGen C0017668, MONDO:0100313, HP:0000097. Disease mechanism: loss of function.

Allele frequency attached by ClinVar (database versions not stated): gnomAD 0.00338 and 0.00368; TOPMed 0.00345 and 0.00349; 1000 Genomes Project 0.00359; gnomAD exomes 0.00508 and 0.00407; ExAC 0.00660; 1000 Genomes Project 30x 0.00359.

Submissions 1 to 9 of 69:

PreventionGenetics, part of Exact Sciences
Classification: Pathogenic for PMM2-related condition. Last evaluated: 2026-09-11. Review status: criteria provided, single submitter. Criteria: ACMG Guidelines, 2015. Collection method: clinical testing. Allele origin: germline.
Comment: The PMM2 c.422G>A variant is predicted to result in the amino acid substitution p.Arg141His. This variant has been documented as causative for autosomal recessive congenital disorder of glycosylation type Ia (CDG-Ia), and is one of the most frequent pathogenic variants reported in the PMM2 gene (Matthijs et al. 1997. PubMed ID: 9140401; Kjaergaard et al. 2001. PubMed ID: 11517108; Vega et al. 2011. PubMed ID: 21541725). The c.422G>A (p.Arg141His) variant is also reported as c.425G>A (p.Arg141His) in the literature. Functional in vitro studies on this variant have demonstrated that it severely impacts protein stability and activity (Vega et al. 2011. PubMed ID: 21541725). Additionally, a mouse model (compound heterozygous for variants corresponding to the human p.Arg141His and p.Phe119Leu variants) demonstrated prenatal death and significantly stunted growth in animals due to protein glycosylation deficiencies (Chan et al. 2016. PubMed ID: 27053713). Of note, the c.422G>A variant has been observed with a subpopulation (European) frequency up to ~0.8% in a large public population database (gnomAD). However, no homozygotes have been reported to date, and the c.422G>A (p.Arg141His) variant is suspected to be embryonically lethal when present in the homozygous state (Matthijs et al. 1998. PubMed ID: 9497260; Thiel et al. 2006. PubMed ID: 16847317). This variant is classified as pathogenic in ClinVar (Variation ID:7706). Taken together, we interpret this variant as pathogenic.

CeGaT Center for Human Genetics Tuebingen
Classification: Pathogenic. Last evaluated: 2026-07-01. Review status: criteria provided, single submitter. Criteria: CeGaT Center For Human Genetics Tuebingen Variant Classification Criteria Version 2. Collection method: clinical testing. Allele origin: germline. Affected: yes. Observed: 22 variant alleles.
Comment: PMM2: PM3:Very Strong, PM2, PS3:Supporting

Genetics Laboratory, Great Ormond Street Hospital NHS Foundation Trust, North Thames Genomic Laboratory Hub
Classification: Pathogenic for Fetal anomalies with a likely genetic cause. Last evaluated: 2026-05-01. Review status: criteria provided, single submitter. Criteria: ACGS Best Practice Guidelines for Variant Classification in Rare Disease 2024 v1.2. Collection method: clinical testing. Allele origin: germline. Affected: yes.
Comment: PP3_supporting, PM5_supporting, PS3_supporting, PM3_strong, PP4_strong

Labcorp Genetics (formerly Invitae), Labcorp
Classification: Pathogenic for PMM2-congenital disorder of glycosylation. Last evaluated: 2026-02-04. Review status: criteria provided, single submitter. Criteria: Invitae Variant Classification Sherloc (09022015). Collection method: clinical testing. Allele origin: germline.
Comment: This sequence change replaces arginine, which is basic and polar, with histidine, which is basic and polar, at codon 141 of the PMM2 protein (p.Arg141His). This variant is present in population databases (rs28936415, gnomAD 0.8%), and has an allele count higher than expected for a pathogenic variant. This missense change has been observed in individual(s) with PMM2-CDG (PMID: 9497260, 11517108, 19357119, 21541725, 25355454). It is commonly reported in individuals of European ancestry (PMID: 9497260, 11517108, 19357119, 21541725, 25355454). ClinVar contains an entry for this variant (Variation ID: 7706). Invitae Evidence Modeling of protein sequence and biophysical properties (such as structural, functional, and spatial information, amino acid conservation, physicochemical variation, residue mobility, and thermodynamic stability) indicates that this missense variant is expected to disrupt PMM2 protein function with a positive predictive value of 95%. Experimental studies have shown that this missense change affects PMM2 function (PMID: 21541725, 26014514). For these reasons, this variant has been classified as Pathogenic.

Medical Molecular Genetics, National Research Centre
Classification: Pathogenic for PMM2-congenital disorder of glycosylation. Last evaluated: 2025-11-01. Review status: criteria provided, single submitter. Criteria: ACMG Guidelines, 2015. Collection method: research. Allele origin: inherited. Affected: yes.

GeneDx
Classification: Pathogenic. Last evaluated: 2025-10-02. Review status: criteria provided, single submitter. Criteria: GeneDx Variant Classification Process June 2021. Collection method: clinical testing. Allele origin: germline. Affected: yes.
Comment: One of the most common pathogenic PMM2 variants reported among European individuals with CDG-1a, but has only been identified in the compound heterozygous state and is predicted to be homozygous lethal (PMID: 11530212, 11517108); Published functional studies demonstrate a damaging effect with reduced enzyme stability and catalytic activity below detection limits (PMID: 21541725); In silico analysis supports that this missense variant has a deleterious effect on protein structure/function; This variant is associated with the following publications: (PMID: 25192236, 20981092, 28373276, 28940310, 34670123, 34828263, 22975760, 10700701, 25333069, 21228398, 11530212, 9140401, 19357119, 11517108, 11589167, 27053713, 28139241, 23988505, 25108116, 16376131, 18629883, 19165618, 28425223, 28566178, 28820871, 30609409, 30487145, 30991241, 31474318, 31628766, 31981409, 31980526, 32595772, 32581362, 33580824, 11409861, 34277356, 33960646, 34426522, 32841164, 32064623, 31589614, 33163565, 32874916, 31736265, 33643843, 33204593, 33413482, 21541725, 32860008, 34055813, 33726816, 35279850, 34445196, 36099812, 36239000, 36773065, 35531120, 37541188, 35281664, 31902100, 37301908, 31391289, 26014514, 26488408, 38374194, 39394929, 38523675, 37372416, 39333430, 38917675)

Daryl Scott Lab, Baylor College of Medicine
Classification: Pathogenic for PMM2-congenital disorder of glycosylation. Last evaluated: 2025-08-25. Review status: criteria provided, single submitter. Criteria: ACMG Guidelines, 2015. Collection method: clinical testing. Allele origin: unknown. Affected: yes. Observed: 1 heterozygote.
Comment: PS3, PS4, PM3,PP3

Natera, Inc.
Classification: Pathogenic for Congenital disorder of glycosylation type 1a. Last evaluated: 2025-08-06. Review status: criteria provided, single submitter. Criteria: Natera Variant Classification Schema (03/2026). Collection method: clinical testing. Allele origin: germline.
Comment: The c.422G>A variant in PMM2 is a missense variant predicted to cause substitution of arginine to histidine at amino acid 141. The frequency of this variant in the general population is greater than expected for disorder. This variant has been observed in one or more individuals affected with the associated recessive disease, as either homozygous or compound heterozygous with a second variant (PMID: 28425223, 25355454). Additionally, this variant has been observed to segregate in affected family members (PMID: 28425223). Computational prediction algorithms indicate this variant is likely to affect gene or protein function. Given the available evidence, this variant is classified as Pathogenic.

Victorian Clinical Genetics Services, Murdoch Childrens Research Institute
Classification: Pathogenic for PMM2-congenital disorder of glycosylation. Last evaluated: 2025-08-01. Review status: criteria provided, single submitter. Criteria: ACMG Guidelines, 2015. Collection method: clinical testing. Allele origin: germline. Affected: no.
Comment: This variant is classified as Pathogenic. Evidence in support of pathogenic classification: Variant is present in gnomAD <0.01 for a recessive condition (v4: 7698 heterozygote(s), 0 homozygote(s)); This variant has very strong previous evidence of pathogenicity in unrelated individuals. This variant has been consistently classified as pathogenic by multiple clinical diagnostic laboratories and is the most common PMM2 pathogenic variant in Northern Europeans (ClinVar, PMID: 20301289); Missense variant predicted to be damaging by in silico tool(s) or highly conserved with a major amino acid change. Additional information: Variant is predicted to result in a missense amino acid change from arginine to histidine; This variant is heterozygous; This gene is associated with autosomal recessive disease; Alternative amino acid change(s) at the same position are present in gnomAD (highest allele count: v4: 46 heterozygote(s), 0 homozygote(s)); Variant is located in the annotated eukaryotic phosphomannomutase domain (DECIPHER); Loss of function is a known mechanism of disease in this gene and is associated with congenital disorder of glycosylation, type Ia (MIM#212065).